The following is an entry in ClinVar:

NM_004415.4(DSP):c.935_937del (p.Phe312del)

Gene: DSP (desmoplakin; plus strand). Cytogenetic location: 6p24.3.
Variant type: Deletion.
Coding change: c.935_937del on transcript NM_004415.4 (MANE Select); coding-DNA positions 935 to 937, 3 bases deleted (TCT; older notation c.935_937delTCT).
Protein change: p.Phe312del; deletes phenylalanine 312.
Molecular consequence: inframe deletion.
Genome position (GRCh38, 1-based): chr6:7,565,516-7,565,518, TCT deleted; deleting any 3 consecutive bases within chr6:7,565,514-7,565,518 gives the same sequence; the c. name uses the placement nearest the transcript's 3' end. VCF-style (leftmost placement, unchanged base first): chr6-7565513-CCTT-C. GRCh37 (hg19) VCF-style: chr6-7565746-CCTT-C.
Other names: c.935_937del (LRG_423t1); c.935_937del, p.Phe312del (NM_001008844.3, NM_001319034.2); short protein forms F312del.
Identifiers: ClinVar variation 199917 (VCV000199917.15), dbSNP rs794728138, ClinGen allele CA007861.
Genomic context (GRCh38, chr6:7,565,513, plus strand): 5'-AGGAGGAGCTGCTGTACGACTGGAGCGACAAGAACACCAACATCGCTCAGAAACAGGAGG[CCTT>C]CTCCGTAAGTTCACCCCACGCGGCTGTAGATGCTTGTCTTGAGCCTGTTGCCTTGAAGAG-3'

ClinVar aggregate classification (germline): Uncertain significance. Review status: criteria provided, multiple submitters, no conflicts (2 of 4 stars). 4 submissions from 4 submitters: Uncertain significance (4). Last evaluated 2019-08-06.

Conditions:
Cardiovascular phenotype. Identifiers: MedGen CN230736.
Arrhythmogenic right ventricular dysplasia 8 (ARVD8). Also called: Arrhythmogenic Right Ventricular Dysplasia/Cardiomyopathy 8; ARRHYTHMOGENIC RIGHT VENTRICULAR DYSPLASIA, FAMILIAL, 8; ARRHYTHMOGENIC RIGHT VENTRICULAR CARDIOMYOPATHY 8. Identifiers: MedGen C1843896, MONDO:0011831, OMIM 607450.
Arrhythmogenic cardiomyopathy with wooly hair and keratoderma. Also called: PALMOPLANTAR KERATODERMA WITH LEFT VENTRICULAR CARDIOMYOPATHY AND WOOLLY HAIR; Dilated cardiomyopathy with woolly hair and keratoderma; Arrhythmogenic cardiomyopathy with woolly hair and keratoderma; Carvajal syndrome. Identifiers: Orphanet 65282, MedGen C1854063, MONDO:0011581, OMIM 605676.

Submissions (4):

Ambry Genetics
Classification: Uncertain significance for Cardiovascular phenotype. Last evaluated: 2019-08-06. Review status: criteria provided, single submitter. Criteria: Ambry Variant Classification Scheme 2023. Collection method: clinical testing. Allele origin: germline.
Comment: The c.935_937delTCT variant (also known as p.F312del) is located in coding exon 7 of the DSP gene. This variant results from an in-frame TCT deletion at nucleotide positions 935 to 937. This results in the in-frame deletion of a phenylalanine residue at codon 312. This amino acid position is highly conserved through mammals but not in all available vertebrate species. In addition, this alteration is predicted to be deleterious by in silico analysis (Choi Y et al. PLoS ONE. 2012; 7(10):e46688). Since supporting evidence is limited at this time, the clinical significance of this alteration remains unclear.

Labcorp Genetics (formerly Invitae), Labcorp
Classification: Uncertain significance for Arrhythmogenic cardiomyopathy with wooly hair and keratoderma; Arrhythmogenic right ventricular dysplasia 8. Last evaluated: 2019-05-07. Review status: criteria provided, single submitter. Criteria: Invitae Variant Classification Sherloc (09022015). Collection method: clinical testing. Allele origin: germline.
Comment: In summary, the available evidence is currently insufficient to determine the role of this variant in disease. Therefore, it has been classified as a Variant of Uncertain Significance. Experimental studies and prediction algorithms are not available for this variant, and the functional significance of the deleted amino acid is currently unknown. This variant has not been reported in the literature in individuals with DSP-related disease. ClinVar contains an entry for this variant (Variation ID: 199917). This variant is not present in population databases (ExAC no frequency). This variant, c.935_937delTCT, results in the deletion of 1 amino acid of the DSP protein (p.Phe312del), but otherwise preserves the integrity of the reading frame.

GeneDx
Classification: Uncertain significance. Last evaluated: 2013-08-27. Review status: criteria provided, single submitter. Criteria: GeneDx Variant Classification (06012015). Collection method: clinical testing. Allele origin: germline. Affected: yes.
Comment: c.935_937delTCT: p.Phe312del (F312del) in exon 7 of the DSP gene (NM_004415.2). The normal sequence with the bases that are deleted in braces is: GCCT{TCT}CCgt.The c.935_937delTCT variant in the DSP gene has not been reported as a disease-causing mutation or as a benign polymorphism to our knowledge. The c.935_937delTCT variant results in an in-frame deletion of a Phenylalanine at codon 312 in the DSP gene. The c.935_937delTCT variant was not observed in approximately 6,500 individuals of European and African American ancestry in the NHLBI Exome Sequencing Project, indicating it is not a common benign variant in these populations. One in-frame deletion has been reported in association with ARVC as well as a missense mutation in a neighboring codon (Ser299Arg). With the clinical and molecular information available at this time, we cannot definitively determine if c.935_937delTCT is a disease-causing mutation or a rare benign variant. The variant is found in ARVC panel(s).

Stanford Center for Inherited Cardiovascular Disease, Stanford University
Classification: Uncertain significance. Review status: criteria provided, single submitter. Criteria: ACMG Guidelines, 2015. Collection method: provider interpretation. Allele origin: germline.